The following is an entry in ClinVar:

ClinVar aggregate classification (germline): Uncertain significance. Review status: criteria provided, single submitter (1 of 4 stars). 2 submissions from 2 submitters: Uncertain significance (1). 1 of the submissions does not count toward it. Last evaluated 2024-02-15.

Conditions:
Charcot-Marie-Tooth disease. Also called: Charcot-Marie-Tooth Hereditary Neuropathy; Charcot-Marie-Tooth Neuropathy. Identifiers: Orphanet 166, MedGen C0007959, MONDO:0015626.
Hereditary sensory and autonomic neuropathy type 7. Also called: HSAN VII; Neuropathy, hereditary sensory and autonomic, type VII. Identifiers: Orphanet 391397, MedGen C3809882, MONDO:0014244, OMIM 615548.
Familial episodic pain syndrome with predominantly lower limb involvement. Also called: Episodic pain syndrome, familial, 3. Identifiers: Orphanet 391384, Orphanet 391392, MedGen C3809899, MONDO:0014247, OMIM 615552.

gnomAD v4.1: 6 of 1,567,934 alleles (0.00038%); highest among the groups gnomAD compares: Non-Finnish European, 0.00052%; no homozygotes.

Submissions (2):

Labcorp Genetics (formerly Invitae), Labcorp
Classification: Uncertain significance for Familial episodic pain syndrome with predominantly lower limb involvement; Hereditary sensory and autonomic neuropathy type 7. Last evaluated: 2024-02-15. Review status: criteria provided, single submitter. Criteria: Invitae Variant Classification Sherloc (09022015). Collection method: clinical testing. Allele origin: germline.
Comment: This sequence change affects an acceptor splice site in intron 24 of the SCN11A gene. It is expected to disrupt RNA splicing. Variants that disrupt the donor or acceptor splice site typically lead to a loss of protein function (PMID: 16199547), however the current clinical and genetic evidence is not sufficient to establish whether loss-of-function variants in SCN11A cause disease. This variant is not present in population databases (gnomAD no frequency). Disruption of this splice site has been observed in individual(s) with peripheral neuropathy (PMID: 24776970, 30554136). ClinVar contains an entry for this variant (Variation ID: 637860). Algorithms developed to predict the effect of sequence changes on RNA splicing suggest that this variant may disrupt the consensus splice site. In summary, the available evidence is currently insufficient to determine the role of this variant in disease. Therefore, it has been classified as a Variant of Uncertain Significance.

Inherited Neuropathy Consortium
Classification: Uncertain significance for Charcot-Marie-Tooth disease. Review status: no assertion criteria provided. Collection method: literature only. Allele origin: germline. Affected: yes. Not counted in ClinVar's aggregate classification.

Literature cited by the submitters: PubMed 16199547 (cited by Labcorp Genetics (formerly Invitae), Labcorp); PubMed 24776970 (cited by Labcorp Genetics (formerly Invitae), Labcorp and Inherited Neuropathy Consortium); PubMed 30554136 (cited by Labcorp Genetics (formerly Invitae), Labcorp).

NM_001349253.2(SCN11A):c.4057-1G>A

Gene: SCN11A (sodium voltage-gated channel alpha subunit 11; minus strand). Cytogenetic location: 3p22.2.
Variant type: single nucleotide variant.
Coding change: c.4057-1G>A on transcript NM_001349253.2 (MANE Select); the canonical splice acceptor site of the intron before coding-DNA position 4057, G replaced by A.
Molecular consequence: splice acceptor variant.
Genome position (GRCh38, 1-based): chr3:38,850,752, C>T on the plus strand (G>A on the coding strand, the complement: SCN11A is on the minus strand). VCF-style: chr3-38850752-C-T. GRCh37 (hg19) VCF-style: chr3-38892243-C-T.
Other names: c.4057-1G>A (NM_014139.3).
Identifiers: ClinVar variation 637860 (VCV000637860.7), dbSNP rs1575205608, ClinGen allele CA352166118.